The following is an entry in ClinVar:

NM_001197104.2(KMT2A):c.4933A>G (p.Ile1645Val)

Gene: KMT2A (lysine methyltransferase 2A; plus strand). Cytogenetic location: 11q23.3.
Variant type: single nucleotide variant.
Coding change: c.4933A>G on transcript NM_001197104.2 (MANE Select); coding-DNA position 4933, A replaced by G.
Protein change: p.Ile1645Val; replaces isoleucine 1645 with valine.
Molecular consequence: missense variant.
Genome position (GRCh38, 1-based): chr11:118,491,857, A>G. VCF-style: chr11-118491857-A-G. GRCh37 (hg19) VCF-style: chr11-118362572-A-G.
Other names: c.4933A>G (NM_001197104.1); c.4924A>G, p.Ile1642Val (NM_005933.4); short protein forms I1642V, I1645V.
Identifiers: ClinVar variation 1638991 (VCV001638991.12), dbSNP rs377485215, ClinGen allele CA6303973.

ClinVar aggregate classification (germline): Conflicting classifications of pathogenicity. Review status: criteria provided, conflicting classifications (1 of 4 stars). 4 submissions from 4 submitters: Uncertain significance (1); Likely benign (3). Last evaluated 2025-09-27.

Conditions:
KMT2A-related disorder. Also called: KMT2A-related condition.
Inborn genetic diseases. Identifiers: MedGen C0950123, MeSH D030342.
Wiedemann-Steiner syndrome (WDSTS). Also called: Growth deficiency and mental retardation with facial dysmorphism. Identifiers: Orphanet 319182, MedGen C1854630, MONDO:0011518, OMIM 605130.

Allele frequency attached by ClinVar (database versions not stated): gnomAD 0.00001 and 0.00003; TOPMed 0.00002; gnomAD exomes 0.00003 and 0.00008; ExAC 0.00011; 1000 Genomes Project 0.00020; 1000 Genomes Project 30x 0.00031.

Submissions (4):

Ambry Genetics
Classification: Likely benign for Inborn genetic diseases. Last evaluated: 2025-09-27. Review status: criteria provided, single submitter. Criteria: Ambry Variant Classification Scheme 2023. Collection method: clinical testing. Allele origin: germline.

PreventionGenetics, part of Exact Sciences
Classification: Likely benign for KMT2A-related condition. Last evaluated: 2025-06-09. Review status: criteria provided, single submitter. Criteria: ACMG Guidelines, 2015. Collection method: clinical testing. Allele origin: germline.
Comment: This variant is classified as likely benign based on ACMG/AMP sequence variant interpretation guidelines (Richards et al. 2015 PMID: 25741868, with internal and published modifications).

Labcorp Genetics (formerly Invitae), Labcorp
Classification: Likely benign. Last evaluated: 2025-03-11. Review status: criteria provided, single submitter. Criteria: Invitae Variant Classification Sherloc (09022015). Collection method: clinical testing. Allele origin: germline.

Revvity Omics, Revvity
Classification: Uncertain significance for Wiedemann-Steiner syndrome. Last evaluated: 2023-05-25. Review status: criteria provided, single submitter. Criteria: ACMG Guidelines, 2015. Collection method: clinical testing. Allele origin: germline.